The following is an entry in ClinVar:

ClinVar aggregate classification (germline): Uncertain significance. Review status: criteria provided, multiple submitters, no conflicts (2 of 4 stars). 2 submissions from 2 submitters: Uncertain significance (2). Last evaluated 2025-09-14.

Conditions:
Inborn genetic diseases. Identifiers: MedGen C0950123, MeSH D030342.
Mosaic variegated aneuploidy syndrome 1 (MVA1). Also called: Warburton-Anyane-Yeboa syndrome. Identifiers: Orphanet 1052, MedGen C1850343, MONDO:0009759, OMIM 257300.

Submissions (2):

Ambry Genetics
Classification: Uncertain significance for Inborn genetic diseases. Last evaluated: 2025-09-14. Review status: criteria provided, single submitter. Criteria: Ambry Variant Classification Scheme 2023. Collection method: clinical testing. Allele origin: germline.
Comment: The p.R80S variant (also known as c.240G>C) is located in coding exon 4 of the BUB1B gene. The arginine at codon 80 is replaced by serine, an amino acid with dissimilar properties. This change occurs in the first base pair of coding exon 4. This amino acid position is conserved. In addition, the in silico prediction for this alteration is inconclusive. Since supporting evidence is limited at this time, the clinical significance of this alteration remains unclear.

Labcorp Genetics (formerly Invitae), Labcorp
Classification: Uncertain significance for Mosaic variegated aneuploidy syndrome 1. Last evaluated: 2022-10-01. Review status: criteria provided, single submitter. Criteria: Invitae Variant Classification Sherloc (09022015). Collection method: clinical testing. Allele origin: germline.
Comment: This sequence change replaces arginine, which is basic and polar, with serine, which is neutral and polar, at codon 80 of the BUB1B protein (p.Arg80Ser). This variant is not present in population databases (gnomAD no frequency). In summary, the available evidence is currently insufficient to determine the role of this variant in disease. Therefore, it has been classified as a Variant of Uncertain Significance. Algorithms developed to predict the effect of missense changes on protein structure and function are either unavailable or do not agree on the potential impact of this missense change (SIFT: "Tolerated"; PolyPhen-2: "Probably Damaging"; Align-GVGD: "Class C0"). This variant has not been reported in the literature in individuals affected with BUB1B-related conditions.

NM_001211.6(BUB1B):c.240G>C (p.Arg80Ser)

Gene: BUB1B (BUB1 mitotic checkpoint serine/threonine kinase B; plus strand). Cytogenetic location: 15q15.1.
Variant type: single nucleotide variant.
Coding change: c.240G>C on transcript NM_001211.6 (MANE Select); coding-DNA position 240, G replaced by C.
Protein change: p.Arg80Ser; replaces arginine 80 with serine.
Molecular consequence: missense variant.
Genome position (GRCh38, 1-based): chr15:40,170,537, G>C. VCF-style: chr15-40170537-G-C. GRCh37 (hg19) VCF-style: chr15-40462738-G-C.
Other names: short protein forms R80S.
Identifiers: ClinVar variation 1790869 (VCV001790869.8), dbSNP rs772218663, ClinGen allele CA391678833.
Genomic context (GRCh38, chr15:40,170,537, plus strand): 5'-GCAAGAACAAAAGTACATGTTCAATTTAAAATGTGTTCTTATCTTTTTCCTCCCATTTAG[G>C]TATATCAGCTGGACAGAGCAGAACTATCCTCAAGGTGGGAAGGAGAGTAATATGTCAACG-3'
Protein context (NP_001202.5, residues 70-90): TGNDPLDVWD[Arg80Ser]YISWTEQNYP